The following is an entry in ClinVar:

ClinVar aggregate classification (germline): Pathogenic (1 of 4 stars; one submission).

Conditions:
Dihydropyrimidine dehydrogenase deficiency (DPYDD). Also called: DPD DEFICIENCY; DPYD DEFICIENCY; Hereditary Thymine-Uraciluria. Identifiers: Orphanet 1675, MedGen C1959620, MONDO:0010130, OMIM 274270.

Submission:

Women's Health and Genetics/Laboratory Corporation of America, LabCorp
Classification: Pathogenic for Dihydropyrimidine dehydrogenase deficiency. Last evaluated: 2021-07-18. Review status: criteria provided, single submitter. Criteria: LabCorp Variant Classification Summary - May 2015. Collection method: clinical testing. Allele origin: germline.
Comment: Variant summary: DPYD c.464T>A (p.Leu155X) results in a premature termination codon, predicted to cause a truncation of the encoded protein or absence of the protein due to nonsense mediated decay, which are commonly known mechanisms for disease. At-least one study utilized a protein truncation test to demonstrate that this variant results in a truncated protein (Morel_2007). Truncations downstream of this position have been classified as pathogenic by our laboratory. The variant was absent in 250564 control chromosomes. c.464T>A has been reported in the literature in individuals affected with Dihydropyrimidine Dehydrogenase Deficiency and resultant toxicity to 5-Fluorouracil. It has been subsequently cited by others (example, Morel_2007, Zhang_2013, Borras_2007). To our knowledge, no experimental evidence demonstrating an impact on protein function has been reported. As of this evaluation, no other clinical diagnostic laboratories have submitted clinical-significance assessments for this variant to ClinVar after 2014. Based on the evidence outlined above, the variant was classified as pathogenic.

Literature cited by the submitters: PubMed 17046731; PubMed 23335937; PubMed 23781135.

NM_000110.4(DPYD):c.464T>A (p.Leu155Ter)

Gene: DPYD (dihydropyrimidine dehydrogenase; minus strand). Cytogenetic location: 1p21.3.
Variant type: single nucleotide variant.
Coding change: c.464T>A on transcript NM_000110.4 (MANE Select); coding-DNA position 464, T replaced by A.
Protein change: p.Leu155Ter; replaces leucine 155 with a stop codon.
Molecular consequence: nonsense.
Genome position (GRCh38, 1-based): chr1:97,721,529, A>T on the plus strand (T>A on the coding strand, the complement: DPYD is on the minus strand). VCF-style: chr1-97721529-A-T. GRCh37 (hg19) VCF-style: chr1-98187085-A-T.
Other names: c.464T>A, p.Leu155Ter (NM_001160301.1); short protein forms L155*.
Identifiers: ClinVar variation 1192270 (VCV001192270.1), dbSNP rs2101026231, ClinGen allele CA341376405.